The following is an entry in ClinVar:

NM_024675.4(PALB2):c.2528A>T (p.Glu843Val)

Gene: PALB2 (partner and localizer of BRCA2; minus strand). Cytogenetic location: 16p12.2.
Variant type: single nucleotide variant.
Coding change: c.2528A>T on transcript NM_024675.4 (MANE Select); coding-DNA position 2528, A replaced by T.
Protein change: p.Glu843Val; replaces glutamic acid 843 with valine.
Molecular consequence: missense variant.
Genome position (GRCh38, 1-based): chr16:23,629,262, T>A on the plus strand (A>T on the coding strand, the complement: PALB2 is on the minus strand). VCF-style: chr16-23629262-T-A. GRCh37 (hg19) VCF-style: chr16-23640583-T-A.
Other names: short protein forms E843V.
Identifiers: ClinVar variation 847018 (VCV000847018.10), dbSNP rs1966854027, ClinGen allele CA395123841.
Genomic context (GRCh38, chr16:23,629,262, plus strand): 5'-ACCTTTAACTCTGAAACCAATTGTAGGTTGCCTGGGTTTATGCTATCAGAAGCAGGAAGC[T>A]CTGCTGTTTCAGTCTGTGAAAACAAAAGTCACATCATTAGTCTACACTTTATGTATAATG-3'
Protein context (NP_078951.2, residues 833-853): KHSVEQTETA[Glu843Val]LPASDSINPG

ClinVar aggregate classification (germline): Uncertain significance (1 of 4 stars; one submission).

Conditions:
Familial cancer of breast. Also called: hereditary breast carcinoma; Hereditary breast cancer; BREAST CANCER, FAMILIAL. Identifiers: Orphanet 227535, MedGen C0346153, MONDO:0016419, OMIM 114480. Disease mechanism: loss of function.

Submission:

Labcorp Genetics (formerly Invitae), Labcorp
Classification: Uncertain significance for Familial cancer of breast. Last evaluated: 2022-02-22. Review status: criteria provided, single submitter. Criteria: Invitae Variant Classification Sherloc (09022015). Collection method: clinical testing. Allele origin: germline.
Comment: ClinVar contains an entry for this variant (Variation ID: 847018). In summary, the available evidence is currently insufficient to determine the role of this variant in disease. Therefore, it has been classified as a Variant of Uncertain Significance. Algorithms developed to predict the effect of missense changes on protein structure and function output the following: SIFT: "Tolerated"; PolyPhen-2: "Benign"; Align-GVGD: "Class C15". The valine amino acid residue is found in multiple mammalian species, which suggests that this missense change does not adversely affect protein function. This variant has not been reported in the literature in individuals affected with PALB2-related conditions. This variant is not present in population databases (gnomAD no frequency). This sequence change replaces glutamic acid, which is acidic and polar, with valine, which is neutral and non-polar, at codon 843 of the PALB2 protein (p.Glu843Val).